The following is an entry in ClinVar:

ClinVar aggregate classification (germline): Uncertain significance (1 of 4 stars; one submission).

Conditions:
Inborn genetic diseases. Identifiers: MedGen C0950123, MeSH D030342.

Submission:

Ambry Genetics
Classification: Uncertain significance for Inborn genetic diseases. Last evaluated: 2026-04-06. Review status: criteria provided, single submitter. Criteria: Ambry Variant Classification Scheme 2023. Collection method: clinical testing. Allele origin: germline.
Comment: The p.V1413I variant (also known as c.4237G>A), located in coding exon 1 of the SAMD9L gene, results from a G to A substitution at nucleotide position 4237. The valine at codon 1413 is replaced by isoleucine, an amino acid with highly similar properties. This amino acid position is conserved. In addition, this alteration is predicted to be tolerated by in silico analysis. Based on the available evidence, the clinical significance of this variant remains unclear.

NM_152703.5(SAMD9L):c.4237G>A (p.Val1413Ile)

Gene: SAMD9L (sterile alpha motif domain containing 9 like; minus strand). Cytogenetic location: 7q21.2.
Variant type: single nucleotide variant.
Coding change: c.4237G>A on transcript NM_152703.5 (MANE Select); coding-DNA position 4237, G replaced by A.
Protein change: p.Val1413Ile; replaces valine 1413 with isoleucine.
Molecular consequence: missense variant.
Genome position (GRCh38, 1-based): chr7:93,131,735, C>T on the plus strand (G>A on the coding strand, the complement: SAMD9L is on the minus strand). VCF-style: chr7-93131735-C-T. GRCh37 (hg19) VCF-style: chr7-92761048-C-T.
Other names: c.4237G>A, p.Val1413Ile (NM_001303496.3, NM_001303497.3, NM_001303498.3 and 5 more transcripts); short protein forms V1413I.
Identifiers: ClinVar variation 4863931 (VCV004863931.1).